The following is an entry in ClinVar:

NM_003000.3(SDHB):c.249del (p.Asp84fs)

Gene: SDHB (succinate dehydrogenase complex iron sulfur subunit B; minus strand). Cytogenetic location: 1p36.13.
Variant type: Deletion.
Coding change: c.249del on transcript NM_003000.3 (MANE Select); coding-DNA position 249, one base deleted (T; older notation c.249delT).
Protein change: p.Asp84fs; shifts the reading frame from aspartic acid 84.
Molecular consequence: frameshift variant.
Genome position (GRCh38, 1-based): chr1:17,033,097, A deleted on the plus strand (T on the coding strand, the reverse complement: SDHB is on the minus strand); the first of 2 consecutive A bases (chr1:17,033,097-17,033,098); deleting either gives the same sequence. VCF-style (leftmost placement, unchanged base first): chr1-17033096-CA-C. GRCh37 (hg19) VCF-style: chr1-17359591-CA-C.
Other names: short protein forms D84fs.
Identifiers: ClinVar variation 1456918 (VCV001456918.6), dbSNP rs2101528951, ClinGen allele CA2573130549.

ClinVar aggregate classification (germline): Pathogenic (1 of 4 stars; one submission).

Conditions:
Gastrointestinal stromal tumor. Also called: Gastrointestinal stroma tumor; Gastrointestinal stromal tumor, somatic. Identifiers: Orphanet 44890, MedGen C0238198, MeSH D046152, MONDO:0011719, OMIM 606764, HP:0100723.
Pheochromocytoma/paraganglioma syndrome 4. Also called: CAROTID BODY TUMORS AND MULTIPLE EXTRAADRENAL PHEOCHROMOCYTOMAS; SDHB-Related Hereditary Paraganglioma-Pheochromocytoma Syndrome; PARAGANGLIOMA, FAMILIAL MALIGNANT; PARAGANGLIOMAS, HEREDITARY EXTRAADRENAL; PHEOCHROMOCYTOMA, FAMILIAL EXTRAADRENAL; Paragangliomas 4. Identifiers: Orphanet 29072, MedGen C1861848, MONDO:0007273, OMIM 115310.
Pheochromocytoma. Also called: MAX-Related Hereditary Paraganglioma-Pheochromocytoma Syndrome. Identifiers: Orphanet 29072, MedGen C0031511, MONDO:0008233, OMIM 171300, HP:0002666.

Submission:

Labcorp Genetics (formerly Invitae), Labcorp
Classification: Pathogenic for Gastrointestinal stromal tumor; Pheochromocytoma/paraganglioma syndrome 4; Pheochromocytoma. Last evaluated: 2024-01-07. Review status: criteria provided, single submitter. Criteria: Invitae Variant Classification Sherloc (09022015). Collection method: clinical testing. Allele origin: germline.
Comment: This sequence change creates a premature translational stop signal (p.Asp84Thrfs*4) in the SDHB gene. It is expected to result in an absent or disrupted protein product. Loss-of-function variants in SDHB are known to be pathogenic (PMID: 19454582, 19802898). This variant is not present in population databases (gnomAD no frequency). This variant has not been reported in the literature in individuals affected with SDHB-related conditions. ClinVar contains an entry for this variant (Variation ID: 1456918). For these reasons, this variant has been classified as Pathogenic.

Literature cited by the submitters: PubMed 19454582; PubMed 19802898.